The following is an entry in ClinVar:

ClinVar aggregate classification (germline): Benign/Likely benign. Review status: criteria provided, multiple submitters, no conflicts (2 of 4 stars). 4 submissions from 4 submitters: Benign (1); Likely benign (3). Last evaluated 2026-01-04.

Conditions:
Familial cancer of breast. Also called: BREAST CANCER, FAMILIAL; Hereditary breast cancer; hereditary breast carcinoma. Identifiers: Orphanet 227535, MedGen C0346153, MONDO:0016419, OMIM 114480. Disease mechanism: loss of function.
Hereditary cancer-predisposing syndrome. Also called: Hereditary neoplastic syndrome; Neoplastic Syndromes, Hereditary; Tumor predisposition; Hereditary Cancer Syndrome. Identifiers: Orphanet 140162, MedGen C0027672, MeSH D009386, MONDO:0015356.
Ataxia-telangiectasia syndrome (AT). Also called: LOUIS-BAR SYNDROME; Cerebello-oculocutaneous telangiectasia; Immunodeficiency with ataxia telangiectasia; AT, COMPLEMENTATION GROUP C; Ataxia-telangiectasia, complementation group D; ATAXIA-TELANGIECTASIA, COMPLEMENTATION GROUP A. Identifiers: Orphanet 100, MedGen C0004135, MONDO:0008840, OMIM 208900.

Allele frequency attached by ClinVar (database versions not stated): gnomAD exomes below 0.00001.
gnomAD v4.1: 3 of 1,613,094 alleles (0.00019%); highest among the groups gnomAD compares: South Asian, 0.0033%; no homozygotes.

Submissions (4):

Labcorp Genetics (formerly Invitae), Labcorp
Classification: Likely benign for Ataxia-telangiectasia syndrome. Last evaluated: 2026-01-04. Review status: criteria provided, single submitter. Criteria: Invitae Variant Classification Sherloc (09022015). Collection method: clinical testing. Allele origin: germline.

Myriad Genetics, Inc.
Classification: Benign for Familial cancer of breast. Last evaluated: 2024-05-01. Review status: criteria provided, single submitter. Criteria: Myriad Autosomal Dominant, Autosomal Recessive and X-Linked Classification Criteria (2023). Collection method: clinical testing. Allele origin: unknown.
Comment: This variant is considered benign. This variant is a silent/synonymous amino acid change and it is not expected to impact splicing.

Color Diagnostics, LLC DBA Color Health
Classification: Likely benign for Hereditary cancer-predisposing syndrome. Last evaluated: 2021-07-15. Review status: criteria provided, single submitter. Criteria: ACMG Guidelines, 2015. Collection method: clinical testing. Allele origin: germline.

Ambry Genetics
Classification: Likely benign for Hereditary cancer-predisposing syndrome. Last evaluated: 2016-09-06. Review status: criteria provided, single submitter. Criteria: Ambry Variant Classification Scheme 2023. Collection method: clinical testing. Allele origin: germline.

NM_000051.4(ATM):c.1836T>A (p.Leu612=)

Gene: ATM (ATM serine/threonine kinase; plus strand). Cytogenetic location: 11q22.3.
Variant type: single nucleotide variant.
Coding change: c.1836T>A on transcript NM_000051.4 (MANE Select); coding-DNA position 1836, T replaced by A.
Protein change: p.Leu612=; no amino-acid change (leucine 612 retained).
Molecular consequence: synonymous variant.
Genome position (GRCh38, 1-based): chr11:108,252,850, T>A. VCF-style: chr11-108252850-T-A. GRCh37 (hg19) VCF-style: chr11-108123577-T-A.
Other names: c.1836T>A, p.Leu612= (NM_001351834.2).
Identifiers: ClinVar variation 481283 (VCV000481283.16), dbSNP rs1309539769, ClinGen allele CA476672227.
Genomic context (GRCh38, chr11:108,252,850, plus strand): 5'-AGTGAAGCTTTTTGTTTTTCTTTGTAGTAATTTTCCTCATCTTGTACTGGAGAAAATTCT[T>A]GTGAGTCTCACTATGAAAAACTGTAAAGCTGCAATGAATTTTTTCCAAAGCGTGCCAGAA-3'
Protein context (NP_000042.3, residues 602-622): NFPHLVLEKI[Leu612=]VSLTMKNCKA